The following is an entry in ClinVar:

ClinVar aggregate classification (germline): Likely pathogenic. Review status: criteria provided, multiple submitters, no conflicts (2 of 4 stars). 3 submissions from 3 submitters: Likely pathogenic (3). Last evaluated 2025-05-19.

Conditions:
Hereditary cancer-predisposing syndrome. Also called: Neoplastic Syndromes, Hereditary; Hereditary neoplastic syndrome; Hereditary Cancer Syndrome; Tumor predisposition. Identifiers: Orphanet 140162, MedGen C0027672, MeSH D009386, MONDO:0015356.
Cardiovascular phenotype. Identifiers: MedGen CN230736.

Allele frequency attached by ClinVar (database versions not stated): gnomAD exomes below 0.00001; ExAC 0.00001.
gnomAD v4.1: 2 of 1,613,680 alleles (0.00012%); highest among the groups gnomAD compares: South Asian, 0.0022%; no homozygotes.

Submissions (3):

Labcorp Genetics (formerly Invitae), Labcorp
Classification: Likely pathogenic. Last evaluated: 2025-05-19. Review status: criteria provided, single submitter. Criteria: Invitae Variant Classification Sherloc (09022015). Collection method: clinical testing. Allele origin: germline.
Comment: This sequence change affects an acceptor splice site in intron 17 of the LZTR1 gene. It is expected to disrupt RNA splicing. Variants that disrupt the donor or acceptor splice site typically lead to a loss of protein function (PMID: 16199547), and loss-of-function variants in LZTR1 are known to be pathogenic (PMID: 24362817, 25335493, 25480913, 25795793, 29469822, 30368668, 30442762, 30442766, 30481304, 30859559). This variant is present in population databases (rs774954465, gnomAD 0.003%). Disruption of this splice site has been observed in individual(s) with clinical features of Noonan syndrome (PMID: 31182298). ClinVar contains an entry for this variant (Variation ID: 1198685). Algorithms developed to predict the effect of sequence changes on RNA splicing suggest that this variant may disrupt the consensus splice site. In summary, the currently available evidence indicates that the variant is pathogenic, but additional data are needed to prove that conclusively. Therefore, this variant has been classified as Likely Pathogenic.

Ambry Genetics
Classification: Likely pathogenic for Cardiovascular phenotype; Hereditary cancer-predisposing syndrome. Last evaluated: 2024-08-06. Review status: criteria provided, single submitter. Criteria: Ambry Variant Classification Scheme 2023. Collection method: clinical testing. Allele origin: germline.
Comment: The c.2070-2A>G intronic variant results from an A to G substitution two nucleotides upstream from coding exon 18 in the LZTR1 gene. This variant has been confirmed in trans with another LZTR1 variant in an individual diagnosed with Noonan syndrome (Perin F et al. Rev Esp Cardiol (Engl Ed), 2019 Nov;72:978-980). In silico splice site analysis predicts that this alteration will weaken the native splice acceptor site and will result in the creation or strengthening of a novel splice acceptor site. RNA studies have demonstrated that this alteration results in abnormal splicing in the set of samples tested (Ambry internal data). Loss-of-function variants in LZTR1 are related to an increased risk for schwannomas and autosomal recessive Noonan syndrome; however, such associations with autosomal dominant Noonan syndrome have not been observed (Piotrowski A et al. Nat Genet. 2014 Feb;46:182-7; Yamamoto GL et al. J Med Genet. 2015 Jun;52:413-21; Johnston JJ et al. Genet Med. 2018 10;20:1175-1185). Based on the supporting evidence, this variant is likely pathogenic for an increased risk of LZTR1-related schwannomatosis (SWN) and would be expected to cause autosomal recessive Noonan syndrome when present along with a second pathogenic or likely pathogenic variant on the other allele; however, the association of this alteration with autosomal dominant Noonan syndrome is unlikely.

GeneDx
Classification: Likely pathogenic. Last evaluated: 2019-10-22. Review status: criteria provided, single submitter. Criteria: GeneDx Variant Classification Process June 2021. Collection method: clinical testing. Allele origin: germline. Affected: yes.
Comment: Canonical splice site variant predicted to result in an in-frame deletion of a critical region; Not observed at a significant frequency in large population cohorts (Lek et al., 2016); Has not been previously published as pathogenic or benign to our knowledge; This variant is associated with the following publications: (PMID: 31182298)

Literature cited by the submitters: PubMed 16199547 (cited by Labcorp Genetics (formerly Invitae), Labcorp); PubMed 24362817 (cited by Labcorp Genetics (formerly Invitae), Labcorp); PubMed 25335493 (cited by Labcorp Genetics (formerly Invitae), Labcorp); PubMed 25480913 (cited by Labcorp Genetics (formerly Invitae), Labcorp); PubMed 25795793 (cited by Labcorp Genetics (formerly Invitae), Labcorp); PubMed 29469822 (cited by Labcorp Genetics (formerly Invitae), Labcorp); PubMed 30368668 (cited by Labcorp Genetics (formerly Invitae), Labcorp); PubMed 30442762 (cited by Labcorp Genetics (formerly Invitae), Labcorp); PubMed 30442766 (cited by Labcorp Genetics (formerly Invitae), Labcorp); PubMed 30481304 (cited by Labcorp Genetics (formerly Invitae), Labcorp); PubMed 30859559 (cited by Labcorp Genetics (formerly Invitae), Labcorp); PubMed 31182298 (cited by Labcorp Genetics (formerly Invitae), Labcorp and Ambry Genetics).

NM_006767.4(LZTR1):c.2070-2A>G

Gene: LZTR1 (leucine zipper like post translational regulator 1; plus strand). Cytogenetic location: 22q11.21.
Variant type: single nucleotide variant.
Coding change: c.2070-2A>G on transcript NM_006767.4 (MANE Select); the canonical splice acceptor site of the intron before coding-DNA position 2070, A replaced by G.
Molecular consequence: splice acceptor variant.
Genome position (GRCh38, 1-based): chr22:20,995,961, A>G. VCF-style: chr22-20995961-A-G. GRCh37 (hg19) VCF-style: chr22-21350250-A-G.
Identifiers: ClinVar variation 1198685 (VCV001198685.9), dbSNP rs774954465, ClinGen allele CA10119232.